The following is an entry in ClinVar:

NM_000410.4(HFE):c.498G>C (p.Lys166Asn)

Gene: HFE (homeostatic iron regulator; plus strand). Cytogenetic location: 6p22.2.
Variant type: single nucleotide variant.
Coding change: c.498G>C on transcript NM_000410.4 (MANE Select); coding-DNA position 498, G replaced by C.
Protein change: p.Lys166Asn; replaces lysine 166 with asparagine.
Molecular consequence: missense variant. On other transcripts: intron variant (4).
Genome position (GRCh38, 1-based): chr6:26,091,471, G>C. VCF-style: chr6-26091471-G-C. GRCh37 (hg19) VCF-style: chr6-26091699-G-C.
Other names: c.498G>C, p.Lys166Asn (NM_001300749.3, NM_001384164.1, NM_001406751.1 and 1 more transcripts); c.234G>C, p.Lys78Asn (NM_001406752.1, NM_139007.3, NM_139008.3); c.429G>C, p.Lys143Asn (NM_139009.3); c.340+367G>C (NM_139004.3, NM_139003.3); c.77-1214G>C (NM_139010.3); c.77-1648G>C (NM_139011.3); short protein forms K143N, K166N, K78N.
Identifiers: ClinVar variation 1409845 (VCV001409845.8), dbSNP rs753179816, ClinGen allele CA3666664.

ClinVar aggregate classification (germline): Uncertain significance. Review status: criteria provided, multiple submitters, no conflicts (2 of 4 stars). 4 submissions from 4 submitters: Uncertain significance (4). Last evaluated 2024-11-24.

Conditions:
Hereditary hemochromatosis (HFE). Identifiers: MedGen C0392514, MONDO:0006507. Disease mechanism: loss of function.

Allele frequency attached by ClinVar (database versions not stated): gnomAD 0.00001; gnomAD exomes 0.00002; TOPMed 0.00002; ExAC 0.00003.

Submissions (4):

Blueprint Genetics
Classification: Uncertain significance. Last evaluated: 2024-11-24. Review status: criteria provided, single submitter. Criteria: ACMG Guidelines, 2015. Collection method: clinical testing. Allele origin: germline.

Women's Health and Genetics/Laboratory Corporation of America, LabCorp
Classification: Uncertain significance. Last evaluated: 2024-05-23. Review status: criteria provided, single submitter. Criteria: LabCorp Variant Classification Summary - May 2015. Collection method: clinical testing. Allele origin: germline.
Comment: Variant summary: HFE c.498G>C (p.Lys166Asn) results in a non-conservative amino acid change located in the MHC class I-like antigen recognition-like domain (IPR011161) of the encoded protein sequence. Four of five in-silico tools predict a damaging effect of the variant on protein function. The variant allele was found at a frequency of 2.4e-05 in 251278 control chromosomes. The available data on variant occurrences in the general population are insufficient to allow any conclusion about variant significance. c.498G>C has been reported in the literature in at least one compound heterozygous individual affected with hemochromatosis (e.g., Hamdi-Roze_2016). These data do not allow any conclusion about variant significance. To our knowledge, no experimental evidence demonstrating an impact on protein function has been reported. The following publication has been ascertained in the context of this evaluation (PMID: 27518069). ClinVar contains an entry for this variant (Variation ID: 1409845). Based on the evidence outlined above, the variant was classified as uncertain significance.

GeneDx
Classification: Uncertain significance. Last evaluated: 2023-05-16. Review status: criteria provided, single submitter. Criteria: GeneDx Variant Classification Process June 2021. Collection method: clinical testing. Allele origin: germline. Affected: yes.
Comment: Identified along with a pathogenic HFE variant in a patient with elevated serum transferrin saturation and high serum ferritin, however the phase of the variants was unknown (Hamdi-Roz et al., 2016); Not observed at significant frequency in large population cohorts (gnomAD); In silico analysis supports that this missense variant has a deleterious effect on protein structure/function; This variant is associated with the following publications: (PMID: 12537660, 27518069)

Labcorp Genetics (formerly Invitae), Labcorp
Classification: Uncertain significance for Hereditary hemochromatosis. Last evaluated: 2021-08-31. Review status: criteria provided, single submitter. Criteria: Invitae Variant Classification Sherloc (09022015). Collection method: clinical testing. Allele origin: germline.
Comment: This sequence change replaces lysine with asparagine at codon 166 of the HFE protein (p.Lys166Asn). The lysine residue is highly conserved and there is a moderate physicochemical difference between lysine and asparagine. This variant is present in population databases (rs753179816, ExAC 0.006%). This missense change has been observed in individual(s) with hemochromatosis (PMID: 27518069). Algorithms developed to predict the effect of missense changes on protein structure and function (SIFT, PolyPhen-2, Align-GVGD) all suggest that this variant is likely to be disruptive. In summary, the available evidence is currently insufficient to determine the role of this variant in disease. Therefore, it has been classified as a Variant of Uncertain Significance.

Literature cited by the submitters: PubMed 27518069 (cited by Women's Health and Genetics/Laboratory Corporation of America, LabCorp and Labcorp Genetics (formerly Invitae), Labcorp).